The following is an entry in ClinVar:

ClinVar aggregate classification (germline): Benign. Review status: criteria provided, multiple submitters, no conflicts (2 of 4 stars). 4 submissions from 3 submitters: Benign (4). Last evaluated 2021-05-13.

Conditions:
3-Methylglutaconic aciduria type 3 (MGCA3). Also called: OPA3, AUTOSOMAL RECESSIVE; OPTIC ATROPHY 3, AUTOSOMAL RECESSIVE; Costeff Syndrome; OPA3-Related 3-Methylglutaconic Aciduria. Identifiers: Orphanet 67047, MedGen C0574084, MONDO:0009787, OMIM 258501.
Optic atrophy 3 (OPA3). Also called: OPTIC ATROPHY 3, AUTOSOMAL DOMINANT; Optic atrophy, cataract, and neurologic disorder; Optic atrophy 3 with cataract. Identifiers: Orphanet 67036, MedGen C1833809, MONDO:0008133, OMIM 165300.

Allele frequency attached by ClinVar (database versions not stated): gnomAD exomes 0.64003; gnomAD 0.69999; TOPMed 0.70218; 1000 Genomes Project 30x 0.75250; 1000 Genomes Project 0.75679.
gnomAD v4.1: 179,592 of 267,318 alleles (67%); highest among the groups gnomAD compares: East Asian, 87%; 61,061 homozygotes.

Submissions (4):

GeneDx
Classification: Benign. Last evaluated: 2021-05-13. Review status: criteria provided, single submitter. Criteria: GeneDx Variant Classification Process June 2021. Collection method: clinical testing. Allele origin: germline. Affected: yes.

Illumina Laboratory Services, Illumina
Classification: Benign for 3-Methylglutaconic aciduria type 3. Last evaluated: 2018-01-13. Review status: criteria provided, single submitter. Criteria: ICSL Variant Classification Criteria 13 December 2019. Collection method: clinical testing. Allele origin: germline.
Comment: This variant was observed in the ICSL laboratory as part of a predisposition screen in an ostensibly healthy population. It had not been previously curated by ICSL or reported in the Human Gene Mutation Database (HGMD: prior to June 1st, 2018), and was therefore a candidate for classification through an automated scoring system. Utilizing variant allele frequency, disease prevalence and penetrance estimates, and inheritance mode, an automated score was calculated to assess if this variant is too frequent to cause the disease. Based on the score and internal cut-off values, a variant classified as benign is not then subjected to further curation. The score for this variant resulted in a classification of benign for this disease.

Illumina Laboratory Services, Illumina
Classification: Benign for Optic atrophy 3. Last evaluated: 2018-01-13. Review status: criteria provided, single submitter. Criteria: ICSL Variant Classification Criteria 13 December 2019. Collection method: clinical testing. Allele origin: germline.
Comment: the same text as in the submission from Illumina Laboratory Services, Illumina above.

Breakthrough Genomics
Classification: Benign. Review status: criteria provided, single submitter. Criteria: ACMG Guidelines, 2015. Collection method: not provided. Allele origin: germline. Inheritance: Autosomal recessive inheritance. Affected: yes.

NM_025136.4(OPA3):c.*1950G>A

Genes: OPA3 (outer mitochondrial membrane lipid metabolism regulator OPA3; minus strand), OPA3-RTN2 (OPA3-RTN2 readthrough; minus strand). Cytogenetic location: 19q13.32.
Variant type: single nucleotide variant.
Coding change: c.*1950G>A on transcript NM_025136.4 (MANE Select); 1950 bases downstream of the stop codon, G replaced by A.
Molecular consequence: 3 prime UTR variant. On other transcripts: intron variant (1).
Genome position (GRCh38, 1-based): chr19:45,551,564, C>T on the plus strand (G>A on the coding strand, the complement: OPA3 is on the minus strand). VCF-style: chr19-45551564-C-T. GRCh37 (hg19) VCF-style: chr19-46054822-C-T.
Other names: c.143-22108G>A (NM_001017989.3).
Identifiers: ClinVar variation 329647 (VCV000329647.7), dbSNP rs4404183, ClinGen allele CA10643011.